The following is an entry in ClinVar:

ClinVar aggregate classification (germline): Pathogenic (1 of 4 stars; one submission).

Conditions:
Neurodevelopmental disorder with or without hyperkinetic movements and seizures, autosomal dominant. Also called: Intellectual disability, autosomal dominant 8. Identifiers: MedGen C3280282, MONDO:0013655, OMIM 614254.

Submission:

Labcorp Genetics (formerly Invitae), Labcorp
Classification: Pathogenic for Neurodevelopmental disorder with or without hyperkinetic movements and seizures, autosomal dominant. Last evaluated: 2023-07-21. Review status: criteria provided, single submitter. Criteria: Invitae Variant Classification Sherloc (09022015). Collection method: clinical testing. Allele origin: germline.
Comment: For these reasons, this variant has been classified as Pathogenic. This variant has not been reported in the literature in individuals affected with GRIN1-related conditions. This sequence change creates a premature translational stop signal (p.Ser443Argfs*29) in the GRIN1 gene. It is expected to result in an absent or disrupted protein product. Loss-of-function variants in GRIN1 are known to be pathogenic (PMID: 27164704, 35393335). This variant is not present in population databases (gnomAD no frequency).

Literature cited by the submitters: PubMed 27164704; PubMed 35393335.

NM_007327.4(GRIN1):c.1324_1325dup (p.Ser443fs)

Gene: GRIN1 (glutamate ionotropic receptor NMDA type subunit 1; plus strand). Cytogenetic location: 9q34.3.
Variant type: Microsatellite.
Coding change: c.1324_1325dup on transcript NM_007327.4 (MANE Select); coding-DNA positions 1324 to 1325, 2 bases duplicated (AC; older notation c.1324_1325dupAC).
Protein change: p.Ser443fs; shifts the reading frame from serine 443.
Molecular consequence: frameshift variant.
Genome position (GRCh38, 1-based): chr9:137,161,182-137,161,183, AC duplicated; duplicating any 2 consecutive bases within chr9:137,161,180-137,161,183 gives the same sequence; the c. name uses the placement nearest the transcript's 3' end. VCF-style (leftmost placement, unchanged base first): chr9-137161179-G-GAC. GRCh37 (hg19) VCF-style: chr9-140055631-G-GAC.
Other names: c.1324_1325dup, p.Ser443fs (NM_000832.7, NM_021569.4); c.1387_1388dup, p.Ser464fs (NM_001185090.2, NM_001185091.2); short protein forms S443fs, S464fs.
Identifiers: ClinVar variation 1483551 (VCV001483551.6), dbSNP rs2131291544, ClinGen allele CA2580615412.